The following is an entry in ClinVar:

ClinVar aggregate classification (germline): Uncertain significance (1 of 4 stars; one submission).

Conditions:
Inborn genetic diseases. Identifiers: MedGen C0950123, MeSH D030342.

Submission:

Ambry Genetics
Classification: Uncertain significance for Inborn genetic diseases. Last evaluated: 2025-08-02. Review status: criteria provided, single submitter. Criteria: Ambry Variant Classification Scheme 2023. Collection method: clinical testing. Allele origin: germline.
Comment: The p.T442I variant (also known as c.1325C>T), located in coding exon 10 of the FANCG gene, results from a C to T substitution at nucleotide position 1325. The threonine at codon 442 is replaced by isoleucine, an amino acid with similar properties. This amino acid position is conserved. In addition, this alteration is predicted to be tolerated by in silico analysis. Based on the available evidence, the clinical significance of this variant remains unclear.

NM_004629.2(FANCG):c.1325C>T (p.Thr442Ile)

Gene: FANCG (FA complementation group G; minus strand). Cytogenetic location: 9p13.3.
Variant type: single nucleotide variant.
Coding change: c.1325C>T on transcript NM_004629.2 (MANE Select); coding-DNA position 1325, C replaced by T.
Protein change: p.Thr442Ile; replaces threonine 442 with isoleucine.
Molecular consequence: missense variant.
Genome position (GRCh38, 1-based): chr9:35,075,573, G>A on the plus strand (C>T on the coding strand, the complement: FANCG is on the minus strand). VCF-style: chr9-35075573-G-A. GRCh37 (hg19) VCF-style: chr9-35075570-G-A.
Other names: short protein forms T442I.
Identifiers: ClinVar variation 4254466 (VCV004254466.1).